The following is an entry in ClinVar:

NM_000171.4(GLRA1):c.854T>C (p.Ile285Thr)

Gene: GLRA1 (glycine receptor alpha 1; minus strand). Cytogenetic location: 5q33.1.
Variant type: single nucleotide variant.
Coding change: c.854T>C on transcript NM_000171.4 (MANE Select); coding-DNA position 854, T replaced by C.
Protein change: p.Ile285Thr; replaces isoleucine 285 with threonine.
Molecular consequence: missense variant.
Genome position (GRCh38, 1-based): chr5:151,851,448, A>G on the plus strand (T>C on the coding strand, the complement: GLRA1 is on the minus strand). VCF-style: chr5-151851448-A-G. GRCh37 (hg19) VCF-style: chr5-151231009-A-G.
Other names: c.854T>C, p.Ile285Thr (NM_001146040.2); c.605T>C, p.Ile202Thr (NM_001292000.2); short protein forms I285T, I202T.
Identifiers: ClinVar variation 581257 (VCV000581257.10), dbSNP rs1561556213, ClinGen allele CA361837510.
Genomic context (GRCh38, chr5:151,851,448, plus strand): 5'-ACCTTGGGCAGAGATGCTCGAGAGCCGGAGCTCTGGGTGGTCATGGTGAGCACAGTGGTG[A>G]TGCCTAGGCCCACACGAGCAGGTGCAGCATCCATGTTGATCCAGAAGGAGATCCATGAGA-3'
Protein context (NP_000162.2, residues 275-295): DAAPARVGLG[Ile285Thr]TTVLTMTTQS

ClinVar aggregate classification (germline): Uncertain significance (1 of 4 stars; one submission).

Conditions:
Hereditary hyperekplexia. Identifiers: Orphanet 3197, MedGen C4084968, MONDO:0021022.

Submission:

Labcorp Genetics (formerly Invitae), Labcorp
Classification: Uncertain significance for Hereditary hyperekplexia. Last evaluated: 2018-06-19. Review status: criteria provided, single submitter. Criteria: Invitae Variant Classification Sherloc (09022015). Collection method: clinical testing. Allele origin: germline.
Comment: In summary, the available evidence is currently insufficient to determine the role of this variant in disease. Therefore, it has been classified as a Variant of Uncertain Significance. Algorithms developed to predict the effect of missense changes on protein structure and function (SIFT, PolyPhen-2, Align-GVGD) all suggest that this variant is likely to be disruptive, but these predictions have not been confirmed by published functional studies and their clinical significance is uncertain. This variant has not been reported in the literature in individuals with GLRA1-related disease. This variant is not present in population databases (ExAC no frequency). This sequence change replaces isoleucine with threonine at codon 285 of the GLRA1 protein (p.Ile285Thr). The isoleucine residue is highly conserved and there is a moderate physicochemical difference between isoleucine and threonine.